The following is an entry in ClinVar:

ClinVar aggregate classification (germline): Uncertain significance. Review status: criteria provided, multiple submitters, no conflicts (2 of 4 stars). 2 submissions from 2 submitters: Uncertain significance (2). Last evaluated 2022-12-28.

Conditions:
Familial focal epilepsy with variable foci (FPEVF). Identifiers: Orphanet 98820, MedGen C1858477, MONDO:0020310.

gnomAD v4.1: 5 of 1,607,142 alleles (0.00031%); highest among the groups gnomAD compares: Admixed American, 0.0017%; no homozygotes.

Submissions (2):

GeneDx
Classification: Uncertain significance. Last evaluated: 2022-12-28. Review status: criteria provided, single submitter. Criteria: GeneDx Variant Classification Process June 2021. Collection method: clinical testing. Allele origin: germline. Affected: yes.
Comment: Not observed at significant frequency in large population cohorts (gnomAD); In silico analysis supports that this missense variant has a deleterious effect on protein structure/function; Has not been previously published as pathogenic or benign to our knowledge

Labcorp Genetics (formerly Invitae), Labcorp
Classification: Uncertain significance for Familial focal epilepsy with variable foci. Last evaluated: 2022-03-19. Review status: criteria provided, single submitter. Criteria: Invitae Variant Classification Sherloc (09022015). Collection method: clinical testing. Allele origin: germline.
Comment: In summary, the available evidence is currently insufficient to determine the role of this variant in disease. Therefore, it has been classified as a Variant of Uncertain Significance. Algorithms developed to predict the effect of missense changes on protein structure and function are either unavailable or do not agree on the potential impact of this missense change (SIFT: "Deleterious"; PolyPhen-2: "Not Available"; Align-GVGD: "Class C15"). This variant has not been reported in the literature in individuals affected with DEPDC5-related conditions. This variant is not present in population databases (gnomAD no frequency). This sequence change replaces aspartic acid, which is acidic and polar, with asparagine, which is neutral and polar, at codon 346 of the DEPDC5 protein (p.Asp346Asn).

NM_001242896.3(DEPDC5):c.1036G>A (p.Asp346Asn)

Gene: DEPDC5 (DEP domain containing 5, GATOR1 subcomplex subunit; plus strand). Cytogenetic location: 22q12.3.
Variant type: single nucleotide variant.
Coding change: c.1036G>A on transcript NM_001242896.3 (MANE Select); coding-DNA position 1036, G replaced by A.
Protein change: p.Asp346Asn; replaces aspartic acid 346 with asparagine.
Molecular consequence: missense variant. On other transcripts: non-coding transcript variant (5).
Genome position (GRCh38, 1-based): chr22:31,802,793, G>A. VCF-style: chr22-31802793-G-A. GRCh37 (hg19) VCF-style: chr22-32198779-G-A.
Other names: c.1036G>A (NM_001242896.1); c.1036G>A, p.Asp346Asn (NM_001007188.4, NM_001136029.4, NM_001242897.2 and 7 more transcripts); c.952G>A, p.Asp318Asn (NM_001369901.1, NM_001369902.1); short protein forms D318N, D346N.
Identifiers: ClinVar variation 1462066 (VCV001462066.9), dbSNP rs372461930, ClinGen allele CA411292916.